The following is an entry in ClinVar:

ClinVar aggregate classification (germline): Benign. Review status: criteria provided, multiple submitters, no conflicts (2 of 4 stars). 10 submissions from 8 submitters: Benign (8). 2 of the submissions do not count toward it. Last evaluated 2025-08-10.

Conditions:
Autosomal recessive limb-girdle muscular dystrophy type 2K. Also called: MUSCULAR DYSTROPHY-DYSTROGLYCANOPATHY (LIMB-GIRDLE), TYPE C, 1; MUSCULAR DYSTROPHY, LIMB-GIRDLE, TYPE 2K. Identifiers: Orphanet 86812, MedGen C1836373, MONDO:0012248, OMIM 609308.
Muscular dystrophy-dystroglycanopathy (congenital with impaired intellectual development), type B, 1. Also called: Muscular dystrophy-dystroglycanopathy (congenital with intellectual disability), type B1; MUSCULAR DYSTROPHY, CONGENITAL, POMT1-RELATED. Identifiers: MedGen C5436962, MONDO:0013159, OMIM 613155.
Walker-Warburg congenital muscular dystrophy. Also called: Muscular dystrophy-dystroglycanopathy, type A; Walker-Warburg syndrome. Identifiers: Orphanet 899, MedGen C0265221, MONDO:0000171.
Muscular dystrophy-dystroglycanopathy (congenital with brain and eye anomalies), type A1 (MDDGA1). Also called: WALKER-WARBURG SYNDROME OR MUSCLE-EYE-BRAIN DISEASE, POMT1-RELATED; Hydrocephalus, agyria and retinal dysplasia; Hard +/- E syndrome; Warburg syndrome; Chemke syndrome; Pagon syndrome. Identifiers: Orphanet 588, Orphanet 899, MedGen C4284790, MONDO:0009364, OMIM 236670.

Allele frequency attached by ClinVar (database versions not stated): 1000 Genomes Project 30x 0.86727; TOPMed 0.86904; 1000 Genomes Project 0.87101; ESP Exome Variant Server 0.88067; gnomAD 0.88267 and 0.88710; ExAC 0.92329; gnomAD exomes 0.92391 and 0.94593.

Submissions (10):

Labcorp Genetics (formerly Invitae), Labcorp
Classification: Benign for Muscular dystrophy-dystroglycanopathy (congenital with impaired intellectual development), type B, 1; Walker-Warburg congenital muscular dystrophy; Autosomal recessive limb-girdle muscular dystrophy type 2K. Last evaluated: 2025-08-10. Review status: criteria provided, single submitter. Criteria: Invitae Variant Classification Sherloc (09022015). Collection method: clinical testing. Allele origin: germline.

Genome-Nilou Lab
Classification: Benign for Muscular dystrophy-dystroglycanopathy (congenital with brain and eye anomalies), type A1. Last evaluated: 2021-10-25. Review status: criteria provided, single submitter. Criteria: ACMG Guidelines, 2015. Collection method: clinical testing. Allele origin: germline. Affected: no.

Genome-Nilou Lab
Classification: Benign for Muscular dystrophy-dystroglycanopathy (congenital with impaired intellectual development), type B, 1. Last evaluated: 2021-10-25. Review status: criteria provided, single submitter. Criteria: ACMG Guidelines, 2015. Collection method: clinical testing. Allele origin: germline. Affected: no.

Genome-Nilou Lab
Classification: Benign for Autosomal recessive limb-girdle muscular dystrophy type 2K. Last evaluated: 2021-10-25. Review status: criteria provided, single submitter. Criteria: ACMG Guidelines, 2015. Collection method: clinical testing. Allele origin: germline. Affected: no.

GeneDx
Classification: Benign. Last evaluated: 2018-06-14. Review status: criteria provided, single submitter. Criteria: GeneDx Variant Classification (06012015). Collection method: clinical testing. Allele origin: germline. Affected: yes.
Comment: This variant is considered likely benign or benign based on one or more of the following criteria: it is a conservative change, it occurs at a poorly conserved position in the protein, it is predicted to be benign by multiple in silico algorithms, and/or has population frequency not consistent with disease.

Mayo Clinic Laboratories, Mayo Clinic
Classification: Benign. Last evaluated: 2017-12-14. Review status: criteria provided, single submitter. Criteria: ACMG Guidelines, 2015. Collection method: clinical testing. Allele origin: germline. Observed: 40 variant alleles.

Breakthrough Genomics
Classification: Benign. Review status: criteria provided, single submitter. Criteria: ACMG Guidelines, 2015. Collection method: not provided. Allele origin: germline. Inheritance: Autosomal recessive inheritance. Affected: yes.

PreventionGenetics, part of Exact Sciences
Classification: Benign. Review status: criteria provided, single submitter. Criteria: ACMG Guidelines, 2015. Collection method: clinical testing. Allele origin: germline.

Clinical Genetics DNA and cytogenetics Diagnostics Lab, Erasmus MC, Erasmus Medical Center
Classification: Benign. Review status: no assertion criteria provided. Collection method: clinical testing. Allele origin: germline. Affected: yes. Study: VKGL Data-share Consensus. Not counted in ClinVar's aggregate classification.

Clinical Genetics, Academic Medical Center
Classification: Benign. Review status: no assertion criteria provided. Collection method: clinical testing. Allele origin: germline. Affected: yes. Study: VKGL Data-share Consensus. Not counted in ClinVar's aggregate classification.

NM_001077365.2(POMT1):c.428-21T>C

Gene: POMT1 (protein O-mannosyltransferase 1; plus strand). Cytogenetic location: 9q34.13.
Variant type: single nucleotide variant.
Coding change: c.428-21T>C on transcript NM_001077365.2 (MANE Select); 21 bases into the intron before coding-DNA position 428, T replaced by C.
Molecular consequence: intron variant.
Genome position (GRCh38, 1-based): chr9:131,508,890, T>C. VCF-style: chr9-131508890-T-C. GRCh37 (hg19) VCF-style: chr9-134384277-T-C.
Other names: p.?; c.266-21T>C (NM_001353198.2, NM_001353194.2, NM_001374689.1 and 3 more transcripts); c.428-21T>C (NM_001353193.2, NM_001136113.2, NM_007171.4 and 1 more transcripts); c.77-21T>C (NM_001374691.1, NM_001353195.2, NM_001374692.1 and 2 more transcripts); c.338-21T>C (NM_001353196.2); c.-29-21T>C (NM_001374695.1, NM_001353200.2).
Identifiers: ClinVar variation 260149 (VCV000260149.12), dbSNP rs11243404, ClinGen allele CA5293277.